The following is an entry in ClinVar:

NM_001290060.2(SEMA3B):c.1702G>C (p.Gly568Arg)

Gene: SEMA3B (semaphorin 3B; plus strand). Cytogenetic location: 3p21.31.
Variant type: single nucleotide variant.
Coding change: c.1702G>C on transcript NM_001290060.2 (MANE Select); coding-DNA position 1702, G replaced by C.
Protein change: p.Gly568Arg; replaces glycine 568 with arginine.
Molecular consequence: missense variant. On other transcripts: non-coding transcript variant (1).
Genome position (GRCh38, 1-based): chr3:50,275,612, G>C. VCF-style: chr3-50275612-G-C. GRCh37 (hg19) VCF-style: chr3-50313043-G-C.
Other names: c.1699G>C, p.Gly567Arg (NM_001005914.3); c.1717G>C, p.Gly573Arg (NM_001290061.1); c.673G>C, p.Gly225Arg (NM_001290062.2, NM_001290063.2); c.1702G>C, p.Gly568Arg (NM_004636.4); short protein forms G225R, G567R, G568R, G573R.
Identifiers: ClinVar variation 3354616 (VCV003354616.1).

ClinVar aggregate classification (germline): Uncertain significance (0 of 4 stars; one submission).

Conditions:
SEMA3B-related disorder. Also called: SEMA3B-related condition.

Submission:

PreventionGenetics, part of Exact Sciences
Classification: Uncertain significance for SEMA3B-related condition. Last evaluated: 2024-04-26. Review status: no assertion criteria provided. Collection method: clinical testing. Allele origin: germline.
Comment: The SEMA3B c.1717G>C variant is predicted to result in the amino acid substitution p.Gly573Arg. To our knowledge, this variant has not been reported in the literature. This variant is reported in 0.00089% of alleles in individuals of European (Non-Finnish) descent in gnomAD. At this time, the clinical significance of this variant is uncertain due to the absence of conclusive functional and genetic evidence.